The following is an entry in ClinVar:

NM_001848.3(COL6A1):c.88G>A (p.Ala30Thr)

Gene: COL6A1 (collagen type VI alpha 1 chain; plus strand). Cytogenetic location: 21q22.3.
Variant type: single nucleotide variant.
Coding change: c.88G>A on transcript NM_001848.3 (MANE Select); coding-DNA position 88, G replaced by A.
Protein change: p.Ala30Thr; replaces alanine 30 with threonine.
Molecular consequence: missense variant.
Genome position (GRCh38, 1-based): chr21:45,981,938, G>A. VCF-style: chr21-45981938-G-A. GRCh37 (hg19) VCF-style: chr21-47401852-G-A.
Other names: short protein forms A30T.
Identifiers: ClinVar variation 4766925 (VCV004766925.1).

ClinVar aggregate classification (germline): Uncertain significance (1 of 4 stars; one submission).

Conditions:
Bethlem myopathy 1A. Also called: Bethlem myopathy 1; Bethlem Muscular Dystrophy; MYOPATHY, BENIGN CONGENITAL, WITH CONTRACTURES. Identifiers: Orphanet 610, MedGen CN029274, MONDO:0024530, OMIM 158810.

gnomAD v4.1: 2 of 1,606,546 alleles (0.00012%); highest among the groups gnomAD compares: South Asian, 0.0022%; no homozygotes.

Submission:

Labcorp Genetics (formerly Invitae), Labcorp
Classification: Uncertain significance for Bethlem myopathy 1A. Last evaluated: 2025-02-16. Review status: criteria provided, single submitter. Criteria: Invitae Variant Classification Sherloc (09022015). Collection method: clinical testing. Allele origin: germline.
Comment: This sequence change replaces alanine, which is neutral and non-polar, with threonine, which is neutral and polar, at codon 30 of the COL6A1 protein (p.Ala30Thr). This variant is not present in population databases (gnomAD no frequency). This variant has not been reported in the literature in individuals affected with COL6A1-related conditions. Invitae Evidence Modeling of protein sequence and biophysical properties (such as structural, functional, and spatial information, amino acid conservation, physicochemical variation, residue mobility, and thermodynamic stability) indicates that this missense variant is not expected to disrupt COL6A1 protein function with a negative predictive value of 95%. In summary, the available evidence is currently insufficient to determine the role of this variant in disease. Therefore, it has been classified as a Variant of Uncertain Significance.